The following is an entry in ClinVar:

ClinVar aggregate classification (germline): Uncertain significance (1 of 4 stars; one submission).

Conditions:
Cardiomyopathy (CMYO). Also called: Cardiomyopathies. Identifiers: Orphanet 167848, MedGen C0878544, MONDO:0004994, HP:0001638. Inheritance: Various modes of inheritance.

Submission:

All of Us Research Program, National Institutes of Health
Classification: Uncertain significance for Cardiomyopathy. Last evaluated: 2023-04-27. Review status: criteria provided, single submitter. Criteria: ACMG Guidelines, 2015. Collection method: clinical testing. Allele origin: germline. Inheritance: Autosomal dominant inheritance. Observed: 1 variant allele, 1 heterozygote.
Comment: This study involves interpretation of variants in research participants for the purpose of population health screening. Participant phenotype was not available at the time of variant classification. Additional details can be found in publication PMID: 35346344, PMCID: PMC8962531

NM_001276345.2(TNNT2):c.401_402del (p.Lys134fs)

Gene: TNNT2 (troponin T2, cardiac type; minus strand). Cytogenetic location: 1q32.1.
Variant type: Deletion.
Coding change: c.401_402del on transcript NM_001276345.2 (MANE Select); coding-DNA positions 401 to 402, 2 bases deleted (AA; older notation c.401_402delAA).
Protein change: p.Lys134fs; shifts the reading frame from lysine 134.
Molecular consequence: frameshift variant. On other transcripts: intron variant (1).
Genome position (GRCh38, 1-based): chr1:201,365,200-201,365,201, TT deleted on the plus strand (AA on the coding strand, the reverse complement: TNNT2 is on the minus strand); deleting any 2 consecutive bases within chr1:201,365,200-201,365,202 gives the same sequence; the c. name uses the placement nearest the transcript's 3' end. VCF-style (leftmost placement, unchanged base first): chr1-201365199-CTT-C. GRCh37 (hg19) VCF-style: chr1-201334327-CTT-C.
Other names: c.401_402del, p.Lys134fs (NM_000364.4, NM_001406723.1); c.371_372del, p.Lys124fs (NM_001001430.3, NM_001001431.3, NM_001276347.2 and 3 more transcripts); c.356_357del, p.Lys119fs (NM_001001432.3, NM_001406728.1); c.368_369del, p.Lys123fs (NM_001406725.1); c.291+409_291+410del (NM_001276346.2); short protein forms K119fs, K123fs, K124fs, K134fs.
Identifiers: ClinVar variation 3070473 (VCV003070473.1), dbSNP rs2527014139, ClinGen allele CA2825000861.